The following is an entry in ClinVar:

NM_002439.5(MSH3):c.2403dup (p.Asp802Ter)

Gene: MSH3 (mutS homolog 3; plus strand). Cytogenetic location: 5q14.1.
Variant type: Duplication.
Coding change: c.2403dup on transcript NM_002439.5 (MANE Select); coding-DNA position 2403, one base duplicated (T; older notation c.2403dupT).
Protein change: p.Asp802Ter; replaces aspartic acid 802 with a stop codon.
Molecular consequence: nonsense.
Genome position (GRCh38, 1-based): chr5:80,778,804, T duplicated; the last of 2 consecutive T bases (chr5:80,778,803-80,778,804); duplicating either gives the same sequence. VCF-style (leftmost placement, unchanged base first): chr5-80778802-C-CT. GRCh37 (hg19) VCF-style: chr5-80074621-C-CT.
Other names: short protein forms D802*.
Identifiers: ClinVar variation 4735286 (VCV004735286.1).

ClinVar aggregate classification (germline): Pathogenic (1 of 4 stars; one submission).

Submission:

Labcorp Genetics (formerly Invitae), Labcorp
Classification: Pathogenic. Last evaluated: 2026-01-13. Review status: criteria provided, single submitter. Criteria: Invitae Variant Classification Sherloc (09022015). Collection method: clinical testing. Allele origin: germline.
Comment: This sequence change creates a premature translational stop signal (p.Asp802*) in the MSH3 gene. It is expected to result in an absent or disrupted protein product. Loss-of-function variants in MSH3 are known to be pathogenic (PMID: 27476653, 37402566). This variant is not present in population databases (gnomAD no frequency). This variant has not been reported in the literature in individuals affected with MSH3-related conditions. RNA analysis performed to evaluate the impact of this premature translational stop signal on mRNA splicing indicates it does not significantly alter splicing (internal data). For these reasons, this variant has been classified as Pathogenic.

Literature cited by the submitters: PubMed 27476653; PubMed 37402566.